The following is an entry in ClinVar:

NM_177438.3(DICER1):c.4253A>G (p.Glu1418Gly)

Gene: DICER1 (dicer 1, ribonuclease III; minus strand). Cytogenetic location: 14q32.13.
Variant type: single nucleotide variant.
Coding change: c.4253A>G on transcript NM_177438.3 (MANE Select); coding-DNA position 4253, A replaced by G.
Protein change: p.Glu1418Gly; replaces glutamic acid 1418 with glycine.
Molecular consequence: missense variant. On other transcripts: non-coding transcript variant (6).
Genome position (GRCh38, 1-based): chr14:95,096,667, T>C on the plus strand (A>G on the coding strand, the complement: DICER1 is on the minus strand). VCF-style: chr14-95096667-T-C. GRCh37 (hg19) VCF-style: chr14-95563004-T-C.
Other names: c.4253A>G, p.Glu1418Gly (NM_001195573.1, NM_001271282.3, NM_001291628.2 and 12 more transcripts); c.3971A>G, p.Glu1324Gly (NM_001395686.1); c.3848A>G, p.Glu1283Gly (NM_001395687.1, NM_001395688.1, NM_001395689.1 and 2 more transcripts); c.3686A>G, p.Glu1229Gly (NM_001395691.1); c.2570A>G, p.Glu857Gly (NM_001395697.1); short protein forms E1324G, E857G, E1283G, E1418G, E1229G.
Identifiers: ClinVar variation 3501967 (VCV003501967.1).

ClinVar aggregate classification (germline): Uncertain significance (1 of 4 stars; one submission).

Conditions:
Hereditary cancer-predisposing syndrome. Also called: Tumor predisposition; Neoplastic Syndromes, Hereditary; Hereditary Cancer Syndrome; Hereditary neoplastic syndrome. Identifiers: Orphanet 140162, MedGen C0027672, MeSH D009386, MONDO:0015356.

Submission:

Ambry Genetics
Classification: Uncertain significance for Hereditary cancer-predisposing syndrome. Last evaluated: 2024-11-28. Review status: criteria provided, single submitter. Criteria: Ambry Variant Classification Scheme 2023. Collection method: clinical testing. Allele origin: germline.
Comment: The p.E1418G variant (also known as c.4253A>G), located in coding exon 22 of the DICER1 gene, results from an A to G substitution at nucleotide position 4253. The glutamic acid at codon 1418 is replaced by glycine, an amino acid with similar properties. This amino acid position is conserved. In addition, this alteration is predicted to be tolerated by in silico analysis. Based on the available evidence, the clinical significance of this variant remains unclear.